The following is an entry in ClinVar:

ClinVar aggregate classification (germline): Uncertain significance. Review status: criteria provided, multiple submitters, no conflicts (2 of 4 stars). 2 submissions from 2 submitters: Uncertain significance (2). Last evaluated 2024-08-26.

Conditions:
Inborn genetic diseases. Identifiers: MedGen C0950123, MeSH D030342.

Allele frequency attached by ClinVar (database versions not stated): gnomAD 0.00002; TOPMed 0.00002; gnomAD exomes 0.00004; ESP Exome Variant Server 0.00008; ExAC 0.00012.
gnomAD v4.1: 54 of 1,613,912 alleles (0.0033%); highest among the groups gnomAD compares: Non-Finnish European, 0.0042%; no homozygotes.

Submissions (2):

Ambry Genetics
Classification: Uncertain significance for Inborn genetic diseases. Last evaluated: 2024-08-26. Review status: criteria provided, single submitter. Criteria: Ambry Variant Classification Scheme 2023. Collection method: clinical testing. Allele origin: germline.

GeneDx
Classification: Uncertain significance. Last evaluated: 2021-06-21. Review status: criteria provided, single submitter. Criteria: GeneDx Variant Classification Process June 2021. Collection method: clinical testing. Allele origin: germline. Affected: yes.
Comment: Not observed at significant frequency in large population cohorts (Lek et al., 2016); In silico analysis supports that this missense variant does not alter protein structure/function; Has not been previously published as pathogenic or benign to our knowledge; This variant is associated with the following publications: (PMID: 22939636, 27535533)

NM_173630.4(RTTN):c.5349G>C (p.Leu1783Phe)

Genes: RTTN (rotatin; minus strand), LOC126862785 (MED14-independent group 3 enhancer GRCh37_chr18:67714790-67715989; plus strand). Cytogenetic location: 18q22.2.
Variant type: single nucleotide variant.
Coding change: c.5349G>C on transcript NM_173630.4 (MANE Select); coding-DNA position 5349, G replaced by C.
Protein change: p.Leu1783Phe; replaces leucine 1783 with phenylalanine.
Molecular consequence: missense variant.
Genome position (GRCh38, 1-based): chr18:70,048,163, C>G on the plus strand (G>C on the coding strand, the complement: RTTN is on the minus strand). VCF-style: chr18-70048163-C-G. GRCh37 (hg19) VCF-style: chr18-67715399-C-G.
Other names: c.2613G>C, p.Leu871Phe (NM_001318520.2); short protein forms L1783F, L871F.
Identifiers: ClinVar variation 1329763 (VCV001329763.3), dbSNP rs374305645, ClinGen allele CA8994954.
Genomic context (GRCh38, chr18:70,048,163, plus strand): 5'-GGTCAAGAGAACAGAAAGGAATTGCAAGCTGGCAGTATACAGGGCAGGACACGTGGCAGA[C>G]AAGCCTGCACATGTGCAGAACATATCTAAAGGAATAATTTCAGATGTGAATGTTTGAAAA-3'
Protein context (NP_775901.3, residues 1773-1793): AIDMFCTCAG[Leu1783Phe]SATCPALYTA